The following is an entry in ClinVar:

NM_205836.3(FBXO38):c.2257T>G (p.Ser753Ala)

Gene: FBXO38 (F-box protein 38; plus strand). Cytogenetic location: 5q32.
Variant type: single nucleotide variant.
Coding change: c.2257T>G on transcript NM_205836.3 (MANE Select); coding-DNA position 2257, T replaced by G.
Protein change: p.Ser753Ala; replaces serine 753 with alanine.
Molecular consequence: missense variant. On other transcripts: intron variant (1).
Genome position (GRCh38, 1-based): chr5:148,427,551, T>G. VCF-style: chr5-148427551-T-G. GRCh37 (hg19) VCF-style: chr5-147807114-T-G.
Other names: c.2257T>G, p.Ser753Ala (NM_030793.5); c.1918+1850T>G (NM_001271723.2); short protein forms S753A.
Identifiers: ClinVar variation 578405 (VCV000578405.10), dbSNP rs1188977922, ClinGen allele CA361657393.
Genomic context (GRCh38, chr5:148,427,551, plus strand): 5'-AGCGGCGGCTCTTCCGAGCCTAGCCCTACAGAAGTGGATGTGTCCAGGCAGTGTGCCTGC[T>G]CCCCCGGTGGGTCAGAGGACTCTGAGGCCATGGAGGAGGGAGATGCAGAGAGTTCTGTCT-3'
Protein context (NP_995308.1, residues 743-763): EVDVSRQCAC[Ser753Ala]PGGSEDSEAM

ClinVar aggregate classification (germline): Uncertain significance (1 of 4 stars; one submission).

Conditions:
Distal hereditary motor neuropathy type 2. Identifiers: Orphanet 139525, MedGen C3711384, MeSH C580044, MONDO:0015352.

Allele frequency attached by ClinVar (database versions not stated): TOPMed 0.00002.
gnomAD v4.1: 2 of 1,613,906 alleles (0.00012%); highest among the groups gnomAD compares: African/African-American, 0.0027%; no homozygotes.

Submission:

Labcorp Genetics (formerly Invitae), Labcorp
Classification: Uncertain significance for Distal hereditary motor neuropathy type 2. Last evaluated: 2018-05-20. Review status: criteria provided, single submitter. Criteria: Invitae Variant Classification Sherloc (09022015). Collection method: clinical testing. Allele origin: germline.
Comment: This sequence change replaces serine with alanine at codon 753 of the FBXO38 protein (p.Ser753Ala). The serine residue is moderately conserved and there is a moderate physicochemical difference between serine and alanine. This variant is not present in population databases (ExAC no frequency). This variant has not been reported in the literature in individuals with FBXO38-related disease. Algorithms developed to predict the effect of missense changes on protein structure and function are either unavailable or do not agree on the potential impact of this missense change (SIFT: "Deleterious"; PolyPhen-2: "Benign"; Align-GVGD: "Class C0"). In summary, the available evidence is currently insufficient to determine the role of this variant in disease. Therefore, it has been classified as a Variant of Uncertain Significance.